The following is an entry in ClinVar:

NM_173560.4(RFX6):c.1914T>C (p.Gly638=)

Gene: RFX6 (regulatory factor X6; plus strand). Cytogenetic location: 6q22.1.
Variant type: single nucleotide variant.
Coding change: c.1914T>C on transcript NM_173560.4 (MANE Select); coding-DNA position 1914, T replaced by C.
Protein change: p.Gly638=; no amino-acid change (glycine 638 retained).
Molecular consequence: synonymous variant.
Genome position (GRCh38, 1-based): chr6:116,927,055, T>C. VCF-style: chr6-116927055-T-C. GRCh37 (hg19) VCF-style: chr6-117248218-T-C.
Identifiers: ClinVar variation 130153 (VCV000130153.18), dbSNP rs611349, ClinGen allele CA154962.
Genomic context (GRCh38, chr6:116,927,055, plus strand): 5'-CACTAAAGGAATGTTCTGGTGATTTTTTCCAGGTCAAATGGAGCTTTCACAGATTGCTGG[T>C]CATCTGATGACACCACCCATTTCTCCAGCCATGGCAAGCCGAGGAAGTGTCATTAACCAA-3'
Protein context (NP_775831.2, residues 628-648): TGQMELSQIA[Gly638=]HLMTPPISPA

ClinVar aggregate classification (germline): Benign/Likely benign. Review status: criteria provided, multiple submitters, no conflicts (2 of 4 stars). 4 submissions from 4 submitters: Benign (2); Likely benign (1). 1 of the submissions does not count toward it. Last evaluated 2026-02-04.

Allele frequency attached by ClinVar (database versions not stated): gnomAD exomes 0.21357 and 0.25739; ESP Exome Variant Server 0.21382; TOPMed 0.23519; gnomAD 0.23550 and 0.24407; ExAC 0.25563; 1000 Genomes Project 30x 0.33339; 1000 Genomes Project 0.34046.
gnomAD v4.1: 349,508 of 1,613,202 alleles (22%); highest among the groups gnomAD compares: South Asian, 41%; 42,485 homozygotes.

Submissions (4):

Labcorp Genetics (formerly Invitae), Labcorp
Classification: Benign. Last evaluated: 2026-02-04. Review status: criteria provided, single submitter. Criteria: Invitae Variant Classification Sherloc (09022015). Collection method: clinical testing. Allele origin: germline.

Blueprint Genetics
Classification: Likely benign. Last evaluated: 2024-11-27. Review status: criteria provided, single submitter. Criteria: ACMG Guidelines, 2015. Collection method: clinical testing. Allele origin: germline.

GeneDx
Classification: Benign. Last evaluated: 2018-11-12. Review status: criteria provided, single submitter. Criteria: GeneDx Variant Classification Process June 2021. Collection method: clinical testing. Allele origin: germline. Affected: yes.

Genetic Services Laboratory, University of Chicago
Classification: Likely benign for AllHighlyPenetrant. Review status: no assertion criteria provided. Collection method: clinical testing. Allele origin: germline. Inheritance: Autosomal recessive inheritance. Not counted in ClinVar's aggregate classification.
Comment: Likely benign based on allele frequency in 1000 Genomes Project or ESP global frequency and its presence in a patient with a rare or unrelated disease phenotype. NOT Sanger confirmed.